The following is an entry in ClinVar:

NM_017841.4(SDHAF2):c.355dup (p.Tyr119fs)

Gene: SDHAF2 (succinate dehydrogenase complex assembly factor 2; plus strand). Cytogenetic location: 11q12.2.
Variant type: Duplication.
Coding change: c.355dup on transcript NM_017841.4 (MANE Select); coding-DNA position 355, one base duplicated (T; older notation c.355dupT).
Protein change: p.Tyr119fs; shifts the reading frame from tyrosine 119.
Molecular consequence: frameshift variant.
Genome position (GRCh38, 1-based): chr11:61,438,098, T duplicated; the last of 3 consecutive T bases (chr11:61,438,096-61,438,098); duplicating any one gives the same sequence. VCF-style (leftmost placement, unchanged base first): chr11-61438095-A-AT. GRCh37 (hg19) VCF-style: chr11-61205567-A-AT.
Other names: p.Tyr119LeufsX8; c.355dupT (NM_017841.2); short protein forms Y119fs.
Identifiers: ClinVar variation 403423 (VCV000403423.46), dbSNP rs1456129845, ClinGen allele CA16609799.

ClinVar aggregate classification (germline): Pathogenic/Likely pathogenic. Review status: criteria provided, multiple submitters, no conflicts (2 of 4 stars). 11 submissions from 11 submitters: Pathogenic (1); Likely pathogenic (8). 2 of the submissions do not count toward it. Last evaluated 2026-09-09.

Conditions:
Hereditary cancer-predisposing syndrome. Also called: Neoplastic Syndromes, Hereditary; Hereditary neoplastic syndrome; Tumor predisposition; Hereditary Cancer Syndrome. Identifiers: Orphanet 140162, MedGen C0027672, MeSH D009386, MONDO:0015356.
Pheochromocytoma/paraganglioma syndrome 2. Also called: SDHAF2-Related Hereditary Paraganglioma-Pheochromocytoma Syndrome (Paragangliomas 2); Paragangliomas 2; SDHAF2-Related Hereditary Paraganglioma-Pheochromocytoma Syndrome; GLOMUS TUMORS, FAMILIAL, 2. Identifiers: Orphanet 29072, MedGen C1866552, MONDO:0011121, OMIM 601650.
Hereditary pheochromocytoma and paraganglioma. Also called: Hereditary Paraganglioma-Pheochromocytoma Syndromes; Hereditary paragangliomas and pheochromocytomas; Hereditary pheochromocytoma-paraganglioma. Identifiers: Orphanet 29072, MedGen C4274332, MONDO:0017366.
SDHAF2-related disorder. Also called: SDHAF2-related condition.

Submissions (11):

GeneDx
Classification: Likely pathogenic. Last evaluated: 2026-09-09. Review status: criteria provided, single submitter. Criteria: GeneDx Variant Classification Process June 2021. Collection method: clinical testing. Allele origin: germline.
Comment: Frameshift variant predicted to result in abnormal protein length as the last 48 amino acids are replaced with 7 different amino acids, and other similar variants have been reported in HGMD; Not observed at significant frequency in large population cohorts (gnomAD); This variant is associated with the following publications: (PMID: 25394176, 22241717, 21752896, 31687641, 19628817, 23062074, 32887801, 40974092)

CeGaT Center for Human Genetics Tuebingen
Classification: Likely pathogenic. Last evaluated: 2026-09-01. Review status: criteria provided, single submitter. Criteria: CeGaT Center For Human Genetics Tuebingen Variant Classification Criteria Version 2. Collection method: clinical testing. Allele origin: germline. Affected: yes. Observed: 4 variant alleles.
Comment: SDHAF2: PVS1:Strong, PM2, PS4:Moderate

PreventionGenetics, part of Exact Sciences
Classification: Likely pathogenic for SDHAF2-related condition. Last evaluated: 2026-08-01. Review status: criteria provided, single submitter. Criteria: ACMG Guidelines, 2015. Collection method: clinical testing. Allele origin: germline.
Comment: The SDHAF2 c.355dupT variant is predicted to result in a frameshift and premature protein termination (p.Tyr119Leufs*8). This variant has been reported in individuals with paraganglioma and/or pheochromocytoma (Table S1 in Evenepoel L et al 2014. PubMed ID: 25394176; reported as c.357_358insT Piccini et al. 2012. PubMed ID: 22241717). It is reported in 0.0040% of alleles in individuals of African descent in gnomAD and has conflicting interpretations in ClinVar ranging from pathogenic to uncertain (Variation ID: 403423). This variant occurs in the penultimate exon and not expected to result in non-sense mediated decay, but does impact the last 48 amino acids of the SDHAF2 protein. Disruption of this domain has been shown to impact SDHAF2 protein function and stability (Sharma et al. 2020. PubMed ID: 32887801). This variant is interpreted as likely pathogenic.

Color Diagnostics, LLC DBA Color Health
Classification: Likely pathogenic for Hereditary pheochromocytoma and paraganglioma. Last evaluated: 2025-06-30. Review status: criteria provided, single submitter. Criteria: ACMG Guidelines, 2015. Collection method: clinical testing. Allele origin: germline.
Comment: This variant inserts 1 nucleotide in exon 3 of the SDHAF2 gene, creating a frameshift and premature translation stop signal. This variant is expected to escape nonsense-mediated decay but result in a non-functional protein product. This variant impacts the C-terminal 48 amino acids. Functional studies have shown that a deletion of the C-terminal 15 amino acids of SDHAF2 abolished SDHA-SDHAF2 interaction and SDHA flavination (PMID: 32887801). This variant has been reported in an individual affected with a right carotid body paraganglioma (PMID: 22241717). This variant has been identified in 2/282866 chromosomes in the general population by the Genome Aggregation Database (gnomAD). Based on the available evidence, this variant is classified as Likely Pathogenic.

All of Us Research Program, National Institutes of Health
Classification: Likely pathogenic for Hereditary pheochromocytoma and paraganglioma. Last evaluated: 2024-09-23. Review status: criteria provided, single submitter. Criteria: ACMG Guidelines, 2015. Collection method: clinical testing. Allele origin: germline. Inheritance: Autosomal dominant inheritance. Observed: 7 variant alleles, 7 heterozygotes.
Comment: This variant inserts 1 nucleotide in exon 3 of the SDHAF2 gene, creating a frameshift and premature translation stop signal. This variant is expected to escape nonsense-mediated decay but result in a non-functional protein product. This variant impacts the C-terminal 48 amino acids. Functional studies have shown that a deletion of the C-terminal 15 amino acids of SDHAF2 abolished SDHA-SDHAF2 interaction and SDHA flavination (PMID: 32887801). This variant has been reported in an individual affected with a right carotid body paraganglioma (PMID: 22241717). This variant has been identified in 2/282866 chromosomes in the general population by the Genome Aggregation Database (gnomAD). Based on the available evidence, this variant is classified as Likely Pathogenic.

This study involves interpretation of variants in research participants for the purpose of population health screening. Participant phenotype was not available at the time of variant classification. Additional details can be found in publication PMID: 35346344, PMCID: PMC8962531

Revvity Omics, Revvity
Classification: Likely pathogenic for Pheochromocytoma/paraganglioma syndrome 2. Last evaluated: 2024-09-17. Review status: criteria provided, single submitter. Criteria: ACMG Guidelines, 2015. Collection method: clinical testing. Allele origin: germline.

Blueprint Genetics
Classification: Likely pathogenic for SDHAF2-related disorders. Last evaluated: 2024-08-20. Review status: criteria provided, single submitter. Criteria: ACMG Guidelines, 2015. Collection method: clinical testing. Allele origin: germline. Affected: yes. Observed: 1 variant allele.

Ambry Genetics
Classification: Pathogenic for Hereditary cancer-predisposing syndrome. Last evaluated: 2024-06-11. Review status: criteria provided, single submitter. Criteria: Ambry Variant Classification Scheme 2023. Collection method: clinical testing. Allele origin: germline.
Comment: The c.355dupT (p.Y119Lfs*8) alteration, located in exon 3 (coding exon 3) of the SDHAF2 gene, consists of a duplication of T at position 355, causing a translational frameshift with a predicted alternate stop codon after 8 amino acids. This alteration occurs at the 3' terminus of theSDHAF2 gene, is not expected to trigger nonsense-mediated mRNA decay, and impacts the last 48 amino acids of the protein. However, premature stop codons are typically deleterious in nature and a significant portion of the protein is affected (Ambry internal data). Based on data from gnomAD, this allele has an overall frequency of 0.001% (2/282866) total alleles studied. The highest observed frequency was 0.004% (1/24968) of African alleles. This variant (reported as c.357_358insT in one study) has been detected in two unrelated individuals with a paraganglioma (Piccini, 2012; Evenepoel, 2015). Based on internal structural analysis, this mutation removes a large portion of the SDHAF2-SDHA interface and is likely to disrupt protein function and stability (Hao, 2009; Eletsky, 2012; Sharma, 2020). Based on the available evidence, this alteration is classified as pathogenic.

Baylor Genetics
Classification: Likely pathogenic for Pheochromocytoma/paraganglioma syndrome 2. Last evaluated: 2023-06-13. Review status: criteria provided, single submitter. Criteria: ACMG Guidelines, 2015. Collection method: clinical testing. Allele origin: unknown.

Labcorp Genetics (formerly Invitae), Labcorp
Classification: Uncertain significance for Hereditary pheochromocytoma and paraganglioma. Last evaluated: 2026-01-18. Review status: flagged submission. Criteria: Invitae Variant Classification Sherloc (09022015). Collection method: clinical testing. Allele origin: germline. Not counted in ClinVar's aggregate classification.
Comment: This sequence change creates a premature translational stop signal (p.Tyr119Leufs*8) in the SDHAF2 gene. While this is not anticipated to result in nonsense mediated decay, it is expected to disrupt the last 48 amino acid(s) of the SDHAF2 protein. This variant is present in population databases (no rsID available, gnomAD 0.004%). This premature translational stop signal has been observed in individual(s) with a right carotid body paranglioma (PMID: 22241717). ClinVar contains an entry for this variant (Variation ID: 403423). Experimental studies and prediction algorithms are not available or were not evaluated, and the functional significance of this variant is currently unknown. In summary, the available evidence is currently insufficient to determine the role of this variant in disease. Therefore, it has been classified as a Variant of Uncertain Significance.
ClinVar note: Reason: Outlier claim with insufficient supporting evidence

Laboratory for Molecular Medicine, Mass General Brigham Personalized Medicine
Classification: Uncertain significance. Last evaluated: 2016-06-23. Review status: flagged submission. Criteria: LMM Criteria. Collection method: clinical testing. Allele origin: germline. Not counted in ClinVar's aggregate classification.
Comment: Variant identified in a genome or exome case(s) and assessed due to predicted null impact of the variant or pathogenic assertions in the literature or databases. Disclaimer: This variant has not undergone full assessment. The following are preliminary notes: LOF not established disease mechanism for this gene
ClinVar note: Reason: Older and outlier claim with insufficient supporting evidence

Literature cited by the submitters: PubMed 22241717 (cited by 4 submitters); PubMed 32887801 (cited by 3 submitters); PubMed 19628817 (cited by Ambry Genetics); PubMed 23062074 (cited by Ambry Genetics); PubMed 25394176 (cited by Ambry Genetics).